The following is an entry in ClinVar:

NM_001195305.3(BBIP1):c.170C>G (p.Pro57Arg)

Gene: BBIP1 (BBSome interacting protein 1; minus strand). Cytogenetic location: 10q25.2.
Variant type: single nucleotide variant.
Coding change: c.170C>G on transcript NM_001195305.3 (MANE Select); coding-DNA position 170, C replaced by G.
Protein change: p.Pro57Arg; replaces proline 57 with arginine.
Molecular consequence: missense variant. On other transcripts: 3 prime UTR variant (1).
Genome position (GRCh38, 1-based): chr10:110,900,469, G>C on the plus strand (C>G on the coding strand, the complement: BBIP1 is on the minus strand). VCF-style: chr10-110900469-G-C. GRCh37 (hg19) VCF-style: chr10-112660227-G-C.
Other names: c.*15C>G (NM_001195304.2); c.170C>G, p.Pro57Arg (NM_001195306.2); c.95C>G, p.Pro32Arg (NM_001195307.2); c.104C>G, p.Pro35Arg (NM_001243783.3); short protein forms P57R, P35R, P32R.
Identifiers: ClinVar variation 4701583 (VCV004701583.2).

ClinVar aggregate classification (germline): Uncertain significance. Review status: criteria provided, multiple submitters, no conflicts (2 of 4 stars). 2 submissions from 2 submitters: Uncertain significance (2). Last evaluated 2025-08-13.

gnomAD v4.1: 42 of 1,535,494 alleles (0.0027%); highest among the groups gnomAD compares: Non-Finnish European, 0.0036%; no homozygotes.

Submissions (2):

Labcorp Genetics (formerly Invitae), Labcorp
Classification: Uncertain significance. Last evaluated: 2025-08-13. Review status: criteria provided, single submitter. Criteria: Invitae Variant Classification Sherloc (09022015). Collection method: clinical testing. Allele origin: germline.
Comment: This sequence change replaces proline, which is neutral and non-polar, with arginine, which is basic and polar, at codon 57 of the BBIP1 protein (p.Pro57Arg). This variant is present in population databases (no rsID available, gnomAD 0.01%). This variant has not been reported in the literature in individuals affected with BBIP1-related conditions. An algorithm developed to predict the effect of missense changes on protein structure and function (PolyPhen-2) suggests that this variant is likely to be disruptive. In summary, the available evidence is currently insufficient to determine the role of this variant in disease. Therefore, it has been classified as a Variant of Uncertain Significance.

Blueprint Genetics
Classification: Uncertain significance. Last evaluated: 2020-11-11. Review status: criteria provided, single submitter. Criteria: ACMG Guidelines, 2015. Collection method: clinical testing. Allele origin: germline.